The following is an entry in ClinVar:

ClinVar aggregate classification (germline): Uncertain significance. Review status: criteria provided, multiple submitters, no conflicts (2 of 4 stars). 4 submissions from 4 submitters: Uncertain significance (4). Last evaluated 2024-09-05.

Conditions:
Immunodeficiency 25. Also called: Immunodeficiency due to defect in cd3-zeta, somatic. Identifiers: MedGen C1857798, MONDO:0012426, OMIM 610163.

Allele frequency attached by ClinVar (database versions not stated): gnomAD 0.00004 and 0.00005; gnomAD exomes 0.00005 and 0.00016; ESP Exome Variant Server 0.00008; TOPMed 0.00009; ExAC 0.00012.
gnomAD v4.1: 82 of 1,613,832 alleles (0.0051%); highest among the groups gnomAD compares: Admixed American, 0.092%; no homozygotes.

Submissions (4):

Blueprint Genetics
Classification: Uncertain significance. Last evaluated: 2024-09-05. Review status: criteria provided, single submitter. Criteria: ACMG Guidelines, 2015. Collection method: clinical testing. Allele origin: germline.

Ambry Genetics
Classification: Uncertain significance. Last evaluated: 2024-06-17. Review status: criteria provided, single submitter. Criteria: Ambry Variant Classification Scheme 2023. Collection method: clinical testing. Allele origin: germline.

Labcorp Genetics (formerly Invitae), Labcorp
Classification: Uncertain significance for Immunodeficiency 25. Last evaluated: 2022-07-19. Review status: criteria provided, single submitter. Criteria: Invitae Variant Classification Sherloc (09022015). Collection method: clinical testing. Allele origin: germline.
Comment: This sequence change replaces arginine, which is basic and polar, with histidine, which is basic and polar, at codon 164 of the CD247 protein (p.Arg164His). This variant is present in population databases (rs201937405, gnomAD 0.1%). This variant has not been reported in the literature in individuals affected with CD247-related conditions. ClinVar contains an entry for this variant (Variation ID: 626075). Algorithms developed to predict the effect of missense changes on protein structure and function are either unavailable or do not agree on the potential impact of this missense change (SIFT: "Tolerated"; PolyPhen-2: "Probably Damaging"; Align-GVGD: "Class C0"). In summary, the available evidence is currently insufficient to determine the role of this variant in disease. Therefore, it has been classified as a Variant of Uncertain Significance.

Center for Genomics, Ann and Robert H. Lurie Children's Hospital of Chicago
Classification: Uncertain significance for Immunodeficiency 25. Last evaluated: 2021-03-30. Review status: criteria provided, single submitter. Criteria: ACMG Guidelines, 2015. Collection method: clinical testing. Allele origin: germline.
Comment: CD247 NM_198053.2 exon 8 p.Arg164His (c.491G>A): This variant has not been reported in the literature but is present in 0.09% (32/33582) of Latino alleles in the Genome Aggregation Database. Evolutionary conservation for this variant is limited or unavailable. Computational predictive tools suggest that this variant may impact the protein. In summary, data on this variant is insufficient for disease classification. Therefore, the clinical significance of this variant is uncertain.

NM_198053.3(CD247):c.491G>A (p.Arg164His)

Gene: CD247 (CD247 molecule; minus strand). Cytogenetic location: 1q24.2.
Variant type: single nucleotide variant.
Coding change: c.491G>A on transcript NM_198053.3 (MANE Select); coding-DNA position 491, G replaced by A.
Protein change: p.Arg164His; replaces arginine 164 with histidine.
Molecular consequence: missense variant.
Genome position (GRCh38, 1-based): chr1:167,431,685, C>T on the plus strand (G>A on the coding strand, the complement: CD247 is on the minus strand). VCF-style: chr1-167431685-C-T. GRCh37 (hg19) VCF-style: chr1-167400922-C-T.
Other names: c.488G>A, p.Arg163His (NM_000734.4); c.584G>A, p.Arg195His (NM_001378515.1); c.581G>A, p.Arg194His (NM_001378516.1); c.491G>A (NM_198053.2); short protein forms R164H, R163H, R194H, R195H.
Identifiers: ClinVar variation 626075 (VCV000626075.6), dbSNP rs201937405, ClinGen allele CA1225855.